The following is an entry in ClinVar:

ClinVar aggregate classification (germline): Uncertain significance (1 of 4 stars; one submission).

Conditions:
Catecholaminergic polymorphic ventricular tachycardia 1. Also called: VENTRICULAR TACHYCARDIA, STRESS-INDUCED POLYMORPHIC 1; VENTRICULAR TACHYCARDIA, CATECHOLAMINERGIC POLYMORPHIC, 1, WITH OR WITHOUT ATRIAL DYSFUNCTION AND/OR DILATED CARDIOMYOPATHY; RYR2-Related Catecholaminergic Polymorphic Ventricular Tachycardia. Identifiers: Orphanet 3286, MedGen C1631597, MONDO:0011484, OMIM 604772.

Allele frequency attached by ClinVar (database versions not stated): gnomAD exomes below 0.00001.
gnomAD v4.1: 2 of 1,614,012 alleles (0.00012%); highest among the groups gnomAD compares: Non-Finnish European, 0.00017%; no homozygotes.

Submission:

Labcorp Genetics (formerly Invitae), Labcorp
Classification: Uncertain significance for Catecholaminergic polymorphic ventricular tachycardia 1. Last evaluated: 2023-04-06. Review status: criteria provided, single submitter. Criteria: Invitae Variant Classification Sherloc (09022015). Collection method: clinical testing. Allele origin: germline.
Comment: In summary, the available evidence is currently insufficient to determine the role of this variant in disease. Therefore, it has been classified as a Variant of Uncertain Significance. Advanced modeling of protein sequence and biophysical properties (such as structural, functional, and spatial information, amino acid conservation, physicochemical variation, residue mobility, and thermodynamic stability) performed at Invitae indicates that this missense variant is not expected to disrupt RYR2 protein function. This variant has not been reported in the literature in individuals affected with RYR2-related conditions. This variant is not present in population databases (gnomAD no frequency). This sequence change replaces threonine, which is neutral and polar, with proline, which is neutral and non-polar, at codon 1737 of the RYR2 protein (p.Thr1737Pro).

NM_001035.3(RYR2):c.5209A>C (p.Thr1737Pro)

Gene: RYR2 (ryanodine receptor 2; plus strand). Cytogenetic location: 1q43.
Variant type: single nucleotide variant.
Coding change: c.5209A>C on transcript NM_001035.3 (MANE Select); coding-DNA position 5209, A replaced by C.
Protein change: p.Thr1737Pro; replaces threonine 1737 with proline.
Molecular consequence: missense variant.
Genome position (GRCh38, 1-based): chr1:237,614,337, A>C. VCF-style: chr1-237614337-A-C. GRCh37 (hg19) VCF-style: chr1-237777637-A-C.
Other names: short protein forms T1737P.
Identifiers: ClinVar variation 2908425 (VCV002908425.3), dbSNP rs2546792913, ClinGen allele CA345404292.